The following is an entry in ClinVar:

NC_012920.1(MT-CO1):m.6121T>C

Gene: MT-CO1 (mitochondrially encoded cytochrome c oxidase I; plus strand).
Variant type: single nucleotide variant.
Genome position: chrM-6121-T-C.
Identifiers: ClinVar variation 692621 (VCV000692621.1), dbSNP rs1603220280, ClinGen allele CA414781860.

ClinVar aggregate classification (germline): Uncertain significance (1 of 4 stars; one submission).

Conditions:
Leigh syndrome (NULS). Also called: Leigh's necrotizing encephalopathy; Leigh's disease; Leigh Syndrome (mtDNA deletion); Leigh Disease; Subacute necrotizing encephalopathy; Necrotizing encephalopathy infantile subacute of Leigh. Identifiers: Orphanet 506, MedGen C2931891, MONDO:0009723, OMIM 256000.

Submission:

Wong Mito Lab, Molecular and Human Genetics, Baylor College of Medicine
Classification: Uncertain significance for Leigh syndrome. Last evaluated: 2019-10-17. Review status: criteria provided, single submitter. Criteria: Modified ACMG Guidelines (Unpublished). Collection method: clinical testing. Allele origin: germline.
Comment: The NC_012920.1:m.6121T>C (YP_003024028.1:p.Ile73Thr) variant in MTCO1 gene is interpretated to be a Uncertain Significance variant based on the modified ACMG guidelines (unpublished). This variant meets the following evidence codes: no criteria